The following is an entry in ClinVar:

ClinVar aggregate classification (germline): Uncertain significance (1 of 4 stars; one submission).

Conditions:
Tuberous sclerosis 1 (TSC1). Identifiers: Orphanet 805, MedGen C1854465, MONDO:0008612, OMIM 191100.

Submission:

Labcorp Genetics (formerly Invitae), Labcorp
Classification: Uncertain significance for Tuberous sclerosis 1. Last evaluated: 2023-08-07. Review status: criteria provided, single submitter. Criteria: Invitae Variant Classification Sherloc (09022015). Collection method: clinical testing. Allele origin: germline.
Comment: Advanced modeling of protein sequence and biophysical properties (such as structural, functional, and spatial information, amino acid conservation, physicochemical variation, residue mobility, and thermodynamic stability) performed at Invitae indicates that this missense variant is not expected to disrupt TSC1 protein function. ClinVar contains an entry for this variant (Variation ID: 1001273). This variant has not been reported in the literature in individuals affected with TSC1-related conditions. This variant is not present in population databases (gnomAD no frequency). This sequence change replaces histidine, which is basic and polar, with proline, which is neutral and non-polar, at codon 606 of the TSC1 protein (p.His606Pro). In summary, the available evidence is currently insufficient to determine the role of this variant in disease. Therefore, it has been classified as a Variant of Uncertain Significance.

NM_000368.5(TSC1):c.1817A>C (p.His606Pro)

Gene: TSC1 (TSC complex subunit 1; minus strand). Cytogenetic location: 9q34.13.
Variant type: single nucleotide variant.
Coding change: c.1817A>C on transcript NM_000368.5 (MANE Select); coding-DNA position 1817, A replaced by C.
Protein change: p.His606Pro; replaces histidine 606 with proline.
Molecular consequence: missense variant.
Genome position (GRCh38, 1-based): chr9:132,905,761, T>G on the plus strand (A>C on the coding strand, the complement: TSC1 is on the minus strand). VCF-style: chr9-132905761-T-G. GRCh37 (hg19) VCF-style: chr9-135781148-T-G.
Other names: c.1814A>C, p.His605Pro (NM_001162426.2); c.1664A>C, p.His555Pro (NM_001162427.2); c.1454A>C, p.His485Pro (NM_001362177.2); short protein forms H485P, H555P, H605P, H606P.
Identifiers: ClinVar variation 1001273 (VCV001001273.8), dbSNP rs1845620152, ClinGen allele CA375363323.